The following is an entry in ClinVar:

NM_170707.4(LMNA):c.91G>A (p.Glu31Lys)

Genes: LMNA (lamin A/C; plus strand), LOC129931597 (ATAC-STARR-seq lymphoblastoid silent region 1421; plus strand). Cytogenetic location: 1q22.
Variant type: single nucleotide variant.
Coding change: c.91G>A on transcript NM_170707.4 (MANE Select); coding-DNA position 91, G replaced by A.
Protein change: p.Glu31Lys; replaces glutamic acid 31 with lysine.
Molecular consequence: missense variant.
Genome position (GRCh38, 1-based): chr1:156,115,009, G>A. VCF-style: chr1-156115009-G-A. GRCh37 (hg19) VCF-style: chr1-156084800-G-A.
Other names: c.91G>A, p.Glu31Lys (NM_001282625.2, NM_001282626.2, NM_005572.4 and 1 more transcripts); short protein forms E31K.
Identifiers: ClinVar variation 573778 (VCV000573778.30), dbSNP rs1228406418, ClinGen allele CA342807397.

ClinVar aggregate classification (germline): Pathogenic. Review status: criteria provided, multiple submitters, no conflicts (2 of 4 stars). 2 submissions from 2 submitters: Pathogenic (2). Last evaluated 2023-11-01.

Conditions:
Charcot-Marie-Tooth disease type 2. Also called: Charcot-Marie-Tooth type 2. Identifiers: Orphanet 64746, MedGen C0270914, MONDO:0018993.

Submissions (2):

CeGaT Center for Human Genetics Tuebingen
Classification: Pathogenic. Last evaluated: 2023-11-01. Review status: criteria provided, single submitter. Criteria: CeGaT Center For Human Genetics Tuebingen Variant Classification Criteria Version 2. Collection method: clinical testing. Allele origin: germline. Affected: yes. Observed: 1 variant allele.
Comment: LMNA: PM6:Strong, PM2, PM5, PS4:Moderate, PP3, PP4

Labcorp Genetics (formerly Invitae), Labcorp
Classification: Pathogenic for Charcot-Marie-Tooth disease type 2. Last evaluated: 2020-02-15. Review status: criteria provided, single submitter. Criteria: Invitae Variant Classification Sherloc (09022015). Collection method: clinical testing. Allele origin: germline.
Comment: This variant has been observed in individuals affected with Lamin A-related congenital muscular dystrophy (PMID: 22491857, 26098624, Invitae). In at least one individual the variant was observed to be de novo. ClinVar contains an entry for this variant (Variation ID: 573778). For these reasons, this variant has been classified as Pathogenic. The p.Glu31 amino acid residue in LMNA has been determined to be clinically significant (PMID: 26098624, 27876398, 26034236). This suggests that variants that disrupt this residue are likely to be causative of disease. Algorithms developed to predict the effect of missense changes on protein structure and function (SIFT, PolyPhen-2, Align-GVGD) all suggest that this variant is likely to be disruptive, but these predictions have not been confirmed by published functional studies and their clinical significance is uncertain. This variant is not present in population databases (ExAC no frequency). This sequence change replaces glutamic acid with lysine at codon 31 of the LMNA protein (p.Glu31Lys). The glutamic acid residue is highly conserved and there is a small physicochemical difference between glutamic acid and lysine.

Literature cited by the submitters: PubMed 22491857 (cited by Labcorp Genetics (formerly Invitae), Labcorp); PubMed 26098624 (cited by Labcorp Genetics (formerly Invitae), Labcorp); PubMed 27876398 (cited by Labcorp Genetics (formerly Invitae), Labcorp); PubMed 26034236 (cited by Labcorp Genetics (formerly Invitae), Labcorp).